The following is an entry in ClinVar:

NM_017875.4(SLC25A38):c.217G>A (p.Val73Ile)

Gene: SLC25A38 (solute carrier family 25 member 38; plus strand). Cytogenetic location: 3p22.1.
Variant type: single nucleotide variant.
Coding change: c.217G>A on transcript NM_017875.4 (MANE Select); coding-DNA position 217, G replaced by A.
Protein change: p.Val73Ile; replaces valine 73 with isoleucine.
Molecular consequence: missense variant.
Genome position (GRCh38, 1-based): chr3:39,390,448, G>A. VCF-style: chr3-39390448-G-A. GRCh37 (hg19) VCF-style: chr3-39431939-G-A.
Other names: c.217G>A, p.Val73Ile (NM_001354798.2); short protein forms V73I.
Identifiers: ClinVar variation 1961956 (VCV001961956.5), dbSNP rs2041749906, ClinGen allele CA352199454.

ClinVar aggregate classification (germline): Uncertain significance (1 of 4 stars; one submission).

Allele frequency attached by ClinVar (database versions not stated): gnomAD exomes below 0.00001; TOPMed below 0.00001.
gnomAD v4.1: 2 of 1,614,198 alleles (0.00012%); highest among the groups gnomAD compares: Non-Finnish European, 0.00017%; no homozygotes.

Submission:

Labcorp Genetics (formerly Invitae), Labcorp
Classification: Uncertain significance. Last evaluated: 2022-02-28. Review status: criteria provided, single submitter. Criteria: Invitae Variant Classification Sherloc (09022015). Collection method: clinical testing. Allele origin: germline.
Comment: In summary, the available evidence is currently insufficient to determine the role of this variant in disease. Therefore, it has been classified as a Variant of Uncertain Significance. Algorithms developed to predict the effect of missense changes on protein structure and function (SIFT, PolyPhen-2, Align-GVGD) all suggest that this variant is likely to be tolerated. This variant has not been reported in the literature in individuals affected with SLC25A38-related conditions. This variant is not present in population databases (gnomAD no frequency). This sequence change replaces valine, which is neutral and non-polar, with isoleucine, which is neutral and non-polar, at codon 73 of the SLC25A38 protein (p.Val73Ile).